The following is an entry in ClinVar:

ClinVar aggregate classification (germline): Uncertain significance. Review status: criteria provided, multiple submitters, no conflicts (2 of 4 stars). 2 submissions from 2 submitters: Uncertain significance (2). Last evaluated 2023-12-14.

Conditions:
Inborn genetic diseases. Identifiers: MedGen C0950123, MeSH D030342.
Polyglucosan body myopathy type 1 (PGBM1). Also called: Polyglucosan body myopathy 1 with or without immunodeficiency; POLYGLUCOSAN BODY MYOPATHY WITHOUT IMMUNODEFICIENCY. Identifiers: Orphanet 329173, Orphanet 397937, MedGen C4014605, MONDO:0014389, OMIM 615895.

Allele frequency attached by ClinVar (database versions not stated): gnomAD 0.00003; TOPMed 0.00004.
gnomAD v4.1: 16 of 1,612,234 alleles (0.00099%); highest among the groups gnomAD compares: Admixed American, 0.0033%; no homozygotes.

Submissions (2):

Ambry Genetics
Classification: Uncertain significance for Inborn genetic diseases. Last evaluated: 2023-12-14. Review status: criteria provided, single submitter. Criteria: Ambry Variant Classification Scheme 2023. Collection method: clinical testing. Allele origin: germline.

Labcorp Genetics (formerly Invitae), Labcorp
Classification: Uncertain significance for Polyglucosan body myopathy type 1. Last evaluated: 2023-08-04. Review status: criteria provided, single submitter. Criteria: Invitae Variant Classification Sherloc (09022015). Collection method: clinical testing. Allele origin: germline.
Comment: This sequence change replaces threonine, which is neutral and polar, with methionine, which is neutral and non-polar, at codon 161 of the RBCK1 protein (p.Thr161Met). This variant is present in population databases (rs766841580, gnomAD 0.003%). This variant has not been reported in the literature in individuals affected with RBCK1-related conditions. ClinVar contains an entry for this variant (Variation ID: 1498065). Advanced modeling of protein sequence and biophysical properties (such as structural, functional, and spatial information, amino acid conservation, physicochemical variation, residue mobility, and thermodynamic stability) performed at Invitae indicates that this missense variant is not expected to disrupt RBCK1 protein function. In summary, the available evidence is currently insufficient to determine the role of this variant in disease. Therefore, it has been classified as a Variant of Uncertain Significance.

NM_031229.4(RBCK1):c.482C>T (p.Thr161Met)

Gene: RBCK1 (RANBP2-type and C3HC4-type zinc finger containing 1; plus strand). Cytogenetic location: 20p13.
Variant type: single nucleotide variant.
Coding change: c.482C>T on transcript NM_031229.4 (MANE Select); coding-DNA position 482, C replaced by T.
Protein change: p.Thr161Met; replaces threonine 161 with methionine.
Molecular consequence: missense variant. On other transcripts: non-coding transcript variant (1).
Genome position (GRCh38, 1-based): chr20:419,368, C>T. VCF-style: chr20-419368-C-T. GRCh37 (hg19) VCF-style: chr20-400012-C-T.
Other names: c.133C>T, p.Arg45Cys (NM_001323956.2, NM_001323958.2); c.356C>T, p.Thr119Met (NM_006462.6); c.482C>T (NM_031229.2); short protein forms R45C, T161M, T119M.
Identifiers: ClinVar variation 1498065 (VCV001498065.7), dbSNP rs766841580, ClinGen allele CA9723104.